The following is an entry in ClinVar:

ClinVar aggregate classification (germline): Pathogenic/Likely pathogenic. Review status: criteria provided, multiple submitters, no conflicts (2 of 4 stars). 2 submissions from 2 submitters: Pathogenic (1); Likely pathogenic (1). Last evaluated 2024-07-08.

Conditions:
Glutaric aciduria, type 1. Also called: GA I; Glutaricaciduria, type I; Glutaric Acidemia Type 1; Glutaric acidemia type I; Glutaricacidemia Type 1; Glutaryl-CoA dehydrogenase deficiency. Identifiers: Orphanet 25, MedGen C0268595, MONDO:0009281, OMIM 231670.
GCDH-related disorder. Also called: GCDH-related condition.

Allele frequency attached by ClinVar (database versions not stated): TOPMed below 0.00001; gnomAD 0.00001; gnomAD exomes below 0.00001.
gnomAD v4.1: 3 of 1,613,954 alleles (0.00019%); highest among the groups gnomAD compares: Non-Finnish European, 0.00025%; no homozygotes.

Submissions (2):

Blueprint Genetics
Classification: Likely pathogenic for GCDH-related disorders. Last evaluated: 2024-07-08. Review status: criteria provided, single submitter. Criteria: ACMG Guidelines, 2015. Collection method: clinical testing. Allele origin: germline. Affected: yes. Observed: 4 variant alleles.

Labcorp Genetics (formerly Invitae), Labcorp
Classification: Pathogenic for Glutaric aciduria, type 1. Last evaluated: 2024-01-29. Review status: criteria provided, single submitter. Criteria: Invitae Variant Classification Sherloc (09022015). Collection method: clinical testing. Allele origin: germline.
Comment: This sequence change replaces tyrosine, which is neutral and polar, with histidine, which is basic and polar, at codon 155 of the GCDH protein (p.Tyr155His). This variant is present in population databases (no rsID available, gnomAD 0.0009%). This missense change has been observed in individual(s) with clinical features of glutaryl-CoA dehydrogenase deficiency (PMID: 10960496, 17622945). ClinVar contains an entry for this variant (Variation ID: 1074476). Advanced modeling of protein sequence and biophysical properties (such as structural, functional, and spatial information, amino acid conservation, physicochemical variation, residue mobility, and thermodynamic stability) performed at Invitae indicates that this missense variant is not expected to disrupt GCDH protein function with a negative predictive value of 80%. Experimental studies have shown that this missense change affects GCDH function (PMID: 28062662). This variant disrupts the p.Tyr155 amino acid residue in GCDH. Other variant(s) that disrupt this residue have been determined to be pathogenic (PMID: 21176883). This suggests that this residue is clinically significant, and that variants that disrupt this residue are likely to be disease-causing. For these reasons, this variant has been classified as Pathogenic.

Literature cited by the submitters: PubMed 10960496 (cited by Labcorp Genetics (formerly Invitae), Labcorp); PubMed 17622945 (cited by Labcorp Genetics (formerly Invitae), Labcorp); PubMed 28062662 (cited by Labcorp Genetics (formerly Invitae), Labcorp); PubMed 21176883 (cited by Labcorp Genetics (formerly Invitae), Labcorp).

NM_000159.4(GCDH):c.463T>C (p.Tyr155His)

Gene: GCDH (glutaryl-CoA dehydrogenase; plus strand). Cytogenetic location: 19p13.13.
Variant type: single nucleotide variant.
Coding change: c.463T>C on transcript NM_000159.4 (MANE Select); coding-DNA position 463, T replaced by C.
Protein change: p.Tyr155His; replaces tyrosine 155 with histidine.
Molecular consequence: missense variant. On other transcripts: non-coding transcript variant (2).
Genome position (GRCh38, 1-based): chr19:12,893,611, T>C. VCF-style: chr19-12893611-T-C. GRCh37 (hg19) VCF-style: chr19-13004425-T-C.
Other names: c.463T>C, p.Tyr155His (NM_013976.5); short protein forms Y155H.
Identifiers: ClinVar variation 1074476 (VCV001074476.12), dbSNP rs1482995062, ClinGen allele CA404317601.
Genomic context (GRCh38, chr19:12,893,611, plus strand): 5'-AGTGGCTACAGGTCGGCGATGAGTGTCCAGTCCTCCCTCGTCATGCACCCTATCTATGCC[T>C]ATGGCAGCGAGGAACAGCGGCAGAAGTACCTGCCCCAGCTGGGTGAGTGGCTGCCCATGG-3'
Protein context (NP_000150.1, residues 145-165): SSLVMHPIYA[Tyr155His]GSEEQRQKYL